The following is an entry in ClinVar:

ClinVar aggregate classification (germline): Likely pathogenic (1 of 4 stars; one submission).

Conditions:
3-methylcrotonyl-CoA carboxylase 1 deficiency (MCC1D). Also called: MCCD TYPE 1; METHYLCROTONYLGLYCINURIA TYPE I; MCC 1 deficiency; 3 Alpha methylcrotonylglycinuria 1. Identifiers: Orphanet 6, MedGen CN028786, MONDO:0008861, OMIM 210200.

Submission:

Natera, Inc.
Classification: Likely pathogenic for 3-methylcrotonyl-CoA carboxylase 1 deficiency. Last evaluated: 2025-06-23. Review status: criteria provided, single submitter. Criteria: Natera Variant Classification Schema (03/2026). Collection method: clinical testing. Allele origin: germline.
Comment: The c.873+1G>T variant in MCCC1 is a canonical splice donor site variant predicted to affect pre-mRNA splicing, which may result in an abnormal transcript and altered protein product. This variant is expected to result in nonsense mediated decay, truncation, or a dysfunctional protein product. This variant is rare in the general population with a frequency below the threshold expected for the associated phenotype(s). Given the available evidence, this variant is classified as Likely Pathogenic.

NM_020166.5(MCCC1):c.873+1G>T

Gene: MCCC1 (methylcrotonyl-CoA carboxylase subunit 1; minus strand). Cytogenetic location: 3q27.1.
Variant type: single nucleotide variant.
Coding change: c.873+1G>T on transcript NM_020166.5 (MANE Select); the canonical splice donor site of the intron after coding-DNA position 873, G replaced by T.
Molecular consequence: splice donor variant.
Genome position (GRCh38, 1-based): chr3:183,057,310, C>A on the plus strand (G>T on the coding strand, the complement: MCCC1 is on the minus strand). VCF-style: chr3-183057310-C-A. GRCh37 (hg19) VCF-style: chr3-182775098-C-A.
Other names: c.546+1G>T (NM_001363880.1); c.522+1G>T (NM_001293273.2).
Identifiers: ClinVar variation 4816039 (VCV004816039.1).